The following is an entry in ClinVar:

NM_014283.5(SUCO):c.2344G>A (p.Glu782Lys)

Gene: SUCO (SUN domain containing ossification factor; plus strand). Cytogenetic location: 1q24.3.
Variant type: single nucleotide variant.
Coding change: c.2344G>A on transcript NM_014283.5 (MANE Select); coding-DNA position 2344, G replaced by A.
Protein change: p.Glu782Lys; replaces glutamic acid 782 with lysine.
Molecular consequence: missense variant. On other transcripts: intron variant (1).
Genome position (GRCh38, 1-based): chr1:172,589,445, G>A. VCF-style: chr1-172589445-G-A. GRCh37 (hg19) VCF-style: chr1-172558585-G-A.
Other names: c.655G>A, p.Glu219Lys (NM_001282751.2); c.2797G>A, p.Glu933Lys (NM_016227.4); c.1712+521G>A (NM_001282750.2); short protein forms E782K, E219K, E933K.
Identifiers: ClinVar variation 3000618 (VCV003000618.3), dbSNP rs2149260664, ClinGen allele CA343743852.

ClinVar aggregate classification (germline): Uncertain significance (1 of 4 stars; one submission).

Submission:

Labcorp Genetics (formerly Invitae), Labcorp
Classification: Uncertain significance. Last evaluated: 2022-11-21. Review status: criteria provided, single submitter. Criteria: Invitae Variant Classification Sherloc (09022015). Collection method: clinical testing. Allele origin: germline.
Comment: This sequence change replaces glutamic acid, which is acidic and polar, with lysine, which is basic and polar, at codon 782 of the SUCO protein (p.Glu782Lys). This variant is not present in population databases (gnomAD no frequency). This variant has not been reported in the literature in individuals affected with SUCO-related conditions. Algorithms developed to predict the effect of missense changes on protein structure and function are either unavailable or do not agree on the potential impact of this missense change (SIFT: "Deleterious"; PolyPhen-2: "Benign"; Align-GVGD: "Class C0"). In summary, the available evidence is currently insufficient to determine the role of this variant in disease. Therefore, it has been classified as a Variant of Uncertain Significance.